The following is an entry in ClinVar:

NC_012920.1(MT-RNR1):m.1005T>C

Gene: MT-RNR1 (mitochondrially encoded 12S RNA; plus strand).
Variant type: single nucleotide variant.
Genome position: chrM-1005-T-C.
Identifiers: ClinVar variation 42201 (VCV000042201.4), dbSNP rs111033179, ClinGen allele CA130989.
Genomic context (GRCh38, chrMT:1,005, plus strand): 5'-GTTTTAGATCACCCCCTCCCCAATAAAGCTAAAACTCACCTGAGTTGTAAAAAACTCCAG[T>C]TGACACAAAATAGACTACGAAAGTGGCTTTAACATATCTGAACACACAATAGCTAAGACC-3'

ClinVar aggregate classification (germline): Benign (1 of 4 stars; one submission).

Submission:

Laboratory for Molecular Medicine, Mass General Brigham Personalized Medicine
Classification: Benign. Last evaluated: 2013-06-11. Review status: criteria provided, single submitter. Criteria: LMM Criteria. Collection method: clinical testing. Allele origin: germline. Observed: 6 variant alleles.
Comment: m.1005T>C in MTRNR1: This variant has been identified in 3/128 (2.3%) Chinese pe diatric individuals with hearing loss, but there is no evidence that these indiv iduals had a maternal family history of hearing loss (Li Z 2005). In addition, t his variant has been reported to be a benign polymorphism on MitoMap and has also been identified in 7/2703 individuals in the Human Mitochond rial Genome Database. Six of the seven (86%) individual s who have ethnicity data from the Human Mitochondrial Genome Database are of Asian decent. No phenotypic information is available from this database. Furthermore, this variant has been associated with a specific ha plotype in the Chinese population (Kong 2004). In summary, we believe this data suggests that the 1005T>C variant is likely to be a benign variant in the Asian population without clinical significance.

Literature cited by the submitters: PubMed 15278763; PubMed 15841390; PubMed 11507041; PubMed 12870132; PubMed 15791543; PubMed 21724059; PubMed 18386806; PubMed 12840039; PubMed 19026397; PubMed 16172508; PubMed 16714301; PubMed 20100600; PubMed 19818876; PubMed 15466285; PubMed 20304802.